The following is an entry in ClinVar:

NM_206933.4(USH2A):c.12290T>C (p.Ile4097Thr)

Gene: USH2A (usherin; minus strand). Cytogenetic location: 1q41.
Variant type: single nucleotide variant.
Coding change: c.12290T>C on transcript NM_206933.4 (MANE Select); coding-DNA position 12290, T replaced by C.
Protein change: p.Ile4097Thr; replaces isoleucine 4097 with threonine.
Molecular consequence: missense variant.
Genome position (GRCh38, 1-based): chr1:215,680,153, A>G on the plus strand (T>C on the coding strand, the complement: USH2A is on the minus strand). VCF-style: chr1-215680153-A-G. GRCh37 (hg19) VCF-style: chr1-215853495-A-G.
Other names: short protein forms I4097T.
Identifiers: ClinVar variation 4687386 (VCV004687386.2).

ClinVar aggregate classification (germline): Uncertain significance. Review status: criteria provided, multiple submitters, no conflicts (2 of 4 stars). 2 submissions from 2 submitters: Uncertain significance (2). Last evaluated 2025-10-09.

gnomAD v4.1: 11 of 1,613,842 alleles (0.00068%); highest among the groups gnomAD compares: Middle Eastern, 0.016%; no homozygotes.

Submissions (2):

Women's Health and Genetics/Laboratory Corporation of America, LabCorp
Classification: Uncertain significance. Last evaluated: 2025-10-09. Review status: criteria provided, single submitter. Criteria: LabCorp Variant Classification Summary - May 2015. Collection method: clinical testing. Allele origin: germline.
Comment: Variant summary: USH2A c.12290T>C (p.Ile4097Thr) results in a non-conservative amino acid change in the encoded protein sequence. Algorithms developed to predict the effect of missense changes on protein structure and function all suggest that this variant is likely to be disruptive. The variant allele was found at a frequency of 4e-06 in 250890 control chromosomes. The available data on variant occurrences in the general population are insufficient to allow any conclusion about variant significance. To our knowledge, no occurrence of c.12290T>C in individuals affected with USH2A-related conditions and no experimental evidence demonstrating its impact on protein function have been reported. No submitters have cited clinical-significance assessments for this variant to ClinVar. Based on the evidence outlined above, the variant was classified as uncertain significance.

Blueprint Genetics
Classification: Uncertain significance. Last evaluated: 2021-09-28. Review status: criteria provided, single submitter. Criteria: ACMG Guidelines, 2015. Collection method: clinical testing. Allele origin: germline.